The following is an entry in ClinVar:

NM_015102.5(NPHP4):c.4019C>T (p.Ala1340Val)

Gene: NPHP4 (nephrocystin 4; minus strand). Cytogenetic location: 1p36.31.
Variant type: single nucleotide variant.
Coding change: c.4019C>T on transcript NM_015102.5 (MANE Select); coding-DNA position 4019, C replaced by T.
Protein change: p.Ala1340Val; replaces alanine 1340 with valine.
Molecular consequence: missense variant. On other transcripts: non-coding transcript variant (1).
Genome position (GRCh38, 1-based): chr1:5,864,011, G>A on the plus strand (C>T on the coding strand, the complement: NPHP4 is on the minus strand). VCF-style: chr1-5864011-G-A. GRCh37 (hg19) VCF-style: chr1-5924071-G-A.
Other names: c.2480C>T, p.Ala827Val (NM_001291593.2); c.2483C>T, p.Ala828Val (NM_001291594.2); c.4019C>T (NM_015102.4); short protein forms A1340V, A827V, A828V.
Identifiers: ClinVar variation 1016708 (VCV001016708.11), dbSNP rs201560526, ClinGen allele CA553378.
Genomic context (GRCh38, chr1:5,864,011, plus strand): 5'-CTCCGGGAGGGGTAGGGGTTGGTGTAGGTGATCCTCTTGTTGACACCCTTCCCTTCGCCC[G>A]CAGCCAACATGATCTCAAAGGCCTGTGGAGGGAGGGGACAGGGAGACGCTGCGGCCACTC-3'
Protein context (NP_055917.1, residues 1330-1350): ISKAFEIMLA[Ala1340Val]GEGKGVNKRI

ClinVar aggregate classification (germline): Uncertain significance. Review status: criteria provided, multiple submitters, no conflicts (2 of 4 stars). 4 submissions from 4 submitters: Uncertain significance (4). Last evaluated 2025-11-04.

Conditions:
Nephronophthisis. Also called: Juvenile Nephronophthisis. Identifiers: Orphanet 655, MedGen C0687120, MONDO:0019005, HP:0000090.
NPHP4-related disorder. Also called: NPHP4-related disorders; NPHP4-related condition. Identifiers: MedGen CN239384.
Senior-Loken syndrome 4 (SLSN4). Identifiers: Orphanet 3156, MedGen C1846979, MONDO:0011756, OMIM 606996.
Nephronophthisis 4 (NPHP4). Also called: NEPHRONOPHTHISIS 4, JUVENILE. Identifiers: Orphanet 655, MedGen C1847013, MONDO:0011752, OMIM 606966.

Allele frequency attached by ClinVar (database versions not stated): TOPMed 0.00003; gnomAD exomes 0.00006 and 0.00013; gnomAD 0.00007 and 0.00008; ExAC 0.00016; 1000 Genomes Project 30x 0.00031.
gnomAD v4.1: 100 of 1,613,218 alleles (0.0062%); highest among the groups gnomAD compares: Middle Eastern, 0.017%; no homozygotes.

Submissions (4):

PreventionGenetics, part of Exact Sciences
Classification: Uncertain significance for NPHP4-related condition. Last evaluated: 2025-11-04. Review status: criteria provided, single submitter. Criteria: ACMG Guidelines, 2015. Collection method: clinical testing. Allele origin: germline.
Comment: The NPHP4 c.4019C>T variant is predicted to result in the amino acid substitution p.Ala1340Val. To our knowledge, this variant has not been reported in the literature. This variant is present in 0.093% of alleles in individuals of European (Finnish) descent in gnomAD, which may be too common to be an unreported cause of disease. Although we suspect that this variant may be benign, at this time, the clinical significance of this variant is uncertain due to the absence of conclusive functional and genetic evidence.

Labcorp Genetics (formerly Invitae), Labcorp
Classification: Uncertain significance for Nephronophthisis. Last evaluated: 2025-10-04. Review status: criteria provided, single submitter. Criteria: Invitae Variant Classification Sherloc (09022015). Collection method: clinical testing. Allele origin: germline.
Comment: This sequence change replaces alanine, which is neutral and non-polar, with valine, which is neutral and non-polar, at codon 1340 of the NPHP4 protein (p.Ala1340Val). This variant is present in population databases (rs201560526, gnomAD 0.09%). This variant has not been reported in the literature in individuals affected with NPHP4-related conditions. ClinVar contains an entry for this variant (Variation ID: 1016708). Invitae Evidence Modeling of protein sequence and biophysical properties (such as structural, functional, and spatial information, amino acid conservation, physicochemical variation, residue mobility, and thermodynamic stability) indicates that this missense variant is not expected to disrupt NPHP4 protein function with a negative predictive value of 80%. In summary, the available evidence is currently insufficient to determine the role of this variant in disease. Therefore, it has been classified as a Variant of Uncertain Significance.

Fulgent Genetics
Classification: Uncertain significance for Nephronophthisis 4; Senior-Loken syndrome 4. Last evaluated: 2024-05-07. Review status: criteria provided, single submitter. Criteria: ACMG Guidelines, 2015. Collection method: clinical testing. Allele origin: germline.

Blueprint Genetics
Classification: Uncertain significance. Last evaluated: 2021-09-21. Review status: criteria provided, single submitter. Criteria: ACMG Guidelines, 2015. Collection method: clinical testing. Allele origin: germline.